The following is an entry in ClinVar:

NM_002226.5(JAG2):c.37CTG[6] (p.Leu17dup)

Gene: JAG2 (jagged canonical Notch ligand 2; minus strand). Cytogenetic location: 14q32.33.
Variant type: Microsatellite.
Coding change: c.37CTG[6] on transcript NM_002226.5 (MANE Select); six copies in a row of the 3-base unit CTG starting at c.37; the reference has five copies in a row; one copy, 3 bases duplicated; also written c.49_51dup.
Protein change: p.Leu17dup; duplicates leucine 17.
Molecular consequence: inframe insertion.
Genome position (GRCh38, 1-based): chr14:105,168,370-105,168,372, CAG duplicated on the plus strand (CTG on the coding strand, the reverse complement: JAG2 is on the minus strand); duplicating any 3 consecutive bases within chr14:105,168,370-105,168,385 gives the same sequence; the position shown is the placement nearest the transcript's 3' end. VCF-style (leftmost placement, unchanged base first): chr14-105168369-C-CCAG. GRCh37 (hg19) VCF-style: chr14-105634706-C-CCAG.
Other names: NM_002226.4:c.49_51dupCTG; p.Leu17dup; c.49_51dup (NM_002226.5); c.37CTG[6], p.Leu17dup (NM_145159.3).
Identifiers: ClinVar variation 402990 (VCV000402990.5), dbSNP rs587632836, ClinGen allele CA7386541.

ClinVar aggregate classification (germline): Benign. Review status: criteria provided, multiple submitters, no conflicts (2 of 4 stars). 2 submissions from 2 submitters: Benign (2). Last evaluated 2023-03-17.

Submissions (2):

Mayo Clinic Laboratories, Mayo Clinic
Classification: Benign. Last evaluated: 2023-03-17. Review status: criteria provided, single submitter. Criteria: ACMG Guidelines, 2015. Collection method: clinical testing. Allele origin: germline. Observed: 24 variant alleles.
Comment: BS1, BS2

Laboratory for Molecular Medicine, Mass General Brigham Personalized Medicine
Classification: Benign. Last evaluated: 2016-03-28. Review status: criteria provided, single submitter. Criteria: LMM Criteria. Collection method: clinical testing. Allele origin: germline.
Comment: Variant identified in a genome or exome case(s) and assessed due to predicted null impact of the variant or pathogenic assertions in the literature or databases. Disclaimer: This variant has not undergone full assessment. The following are preliminary notes: Frequency